The following is an entry in ClinVar:

NM_001040105.2(MUC17):c.149G>A (p.Arg50His)

Gene: MUC17 (mucin 17, cell surface associated; plus strand). Cytogenetic location: 7q22.1.
Variant type: single nucleotide variant.
Coding change: c.149G>A on transcript NM_001040105.2 (MANE Select); coding-DNA position 149, G replaced by A.
Protein change: p.Arg50His; replaces arginine 50 with histidine.
Molecular consequence: missense variant. On other transcripts: non-coding transcript variant (1).
Genome position (GRCh38, 1-based): chr7:101,031,186, G>A. VCF-style: chr7-101031186-G-A. GRCh37 (hg19) VCF-style: chr7-100674467-G-A.
Other names: short protein forms R50H.
Identifiers: ClinVar variation 3898075 (VCV003898075.7).
Genomic context (GRCh38, chr7:101,031,186, plus strand): 5'-GTGTGAACAGGGCTGTGTGGGATGGAGGAGGGTGCATCTCCCAAGGGGACGTCTTGAACC[G>A]TCAGTGCCAGCAGCTGTCTCAGCACGTTAGGACAGGTAAGGCAACAGACTCCAAGATCTA-3'
Protein context (NP_001035194.1, residues 40-60): GCISQGDVLN[Arg50His]QCQQLSQHVR

ClinVar aggregate classification (germline): Likely benign (1 of 4 stars; one submission).

gnomAD v4.1: 4,439 of 1,613,798 alleles (0.28%); highest among the groups gnomAD compares: Non-Finnish European, 0.34%; 11 homozygotes.

Submission:

CeGaT Center for Human Genetics Tuebingen
Classification: Likely benign. Last evaluated: 2025-04-01. Review status: criteria provided, single submitter. Criteria: CeGaT Center For Human Genetics Tuebingen Variant Classification Criteria Version 2. Collection method: clinical testing. Allele origin: germline. Affected: yes. Observed: 1 variant allele.
Comment: MUC17: BP4, BS2